The following is an entry in ClinVar:

NM_014336.5(AIPL1):c.358A>G (p.Thr120Ala)

Gene: AIPL1 (AIP like 1 HSP90 co-chaperone; minus strand). Cytogenetic location: 17p13.2.
Variant type: single nucleotide variant.
Coding change: c.358A>G on transcript NM_014336.5 (MANE Select); coding-DNA position 358, A replaced by G.
Protein change: p.Thr120Ala; replaces threonine 120 with alanine.
Molecular consequence: missense variant. On other transcripts: intron variant (1).
Genome position (GRCh38, 1-based): chr17:6,428,425, T>C on the plus strand (A>G on the coding strand, the complement: AIPL1 is on the minus strand). VCF-style: chr17-6428425-T-C. GRCh37 (hg19) VCF-style: chr17-6331745-T-C.
Other names: c.358A>G (NM_014336.3, NM_014336.4); c.178A>G, p.Thr60Ala (NM_001033055.3); c.322A>G, p.Thr108Ala (NM_001285399.3); c.292A>G, p.Thr98Ala (NM_001285400.3); c.358A>G, p.Thr120Ala (NM_001285401.3, NM_001285403.4); c.241A>G, p.Thr81Ala (NM_001285402.2); c.277-1368A>G (NM_001033054.3); short protein forms T60A, T108A, T120A, T81A, T98A.
Identifiers: ClinVar variation 1478672 (VCV001478672.10), dbSNP rs200049623, ClinGen allele CA8328536.

ClinVar aggregate classification (germline): Uncertain significance. Review status: criteria provided, multiple submitters, no conflicts (2 of 4 stars). 4 submissions from 4 submitters: Uncertain significance (3). 1 of the submissions does not count toward it. Last evaluated 2025-08-12.

Conditions:
AIPL1-related disorder. Also called: AIPL1-related disorders; AIPL1-related condition. Identifiers: MedGen CN239169.
Leber congenital amaurosis 4 (LCA4). Identifiers: MedGen C1858386, MONDO:0011458, OMIM 604393.
Inborn genetic diseases. Identifiers: MedGen C0950123, MeSH D030342.

Allele frequency attached by ClinVar (database versions not stated): ExAC 0.00001; gnomAD 0.00001; TOPMed 0.00001; gnomAD exomes 0.00002.
gnomAD v4.1: 31 of 1,613,594 alleles (0.0019%); highest among the groups gnomAD compares: Admixed American, 0.005%; no homozygotes.

Submissions (4):

Ambry Genetics
Classification: Uncertain significance for Inborn genetic diseases. Last evaluated: 2025-08-12. Review status: criteria provided, single submitter. Criteria: Ambry Variant Classification Scheme 2023. Collection method: clinical testing. Allele origin: germline.

Labcorp Genetics (formerly Invitae), Labcorp
Classification: Uncertain significance for Leber congenital amaurosis 4. Last evaluated: 2025-07-16. Review status: criteria provided, single submitter. Criteria: Invitae Variant Classification Sherloc (09022015). Collection method: clinical testing. Allele origin: germline.
Comment: This sequence change replaces threonine, which is neutral and polar, with alanine, which is neutral and non-polar, at codon 120 of the AIPL1 protein (p.Thr120Ala). This variant is present in population databases (rs200049623, gnomAD 0.006%). This variant has not been reported in the literature in individuals affected with AIPL1-related conditions. ClinVar contains an entry for this variant (Variation ID: 1478672). Invitae Evidence Modeling of protein sequence and biophysical properties (such as structural, functional, and spatial information, amino acid conservation, physicochemical variation, residue mobility, and thermodynamic stability) has been performed for this missense variant. However, the output from this modeling did not meet the statistical confidence thresholds required to predict the impact of this variant on AIPL1 protein function. In summary, the available evidence is currently insufficient to determine the role of this variant in disease. Therefore, it has been classified as a Variant of Uncertain Significance.

Blueprint Genetics
Classification: Uncertain significance. Last evaluated: 2023-06-30. Review status: criteria provided, single submitter. Criteria: ACMG Guidelines, 2015. Collection method: clinical testing. Allele origin: germline.

PreventionGenetics, part of Exact Sciences
Classification: Uncertain significance for AIPL1-related condition. Last evaluated: 2024-09-06. Review status: no assertion criteria provided. Collection method: clinical testing. Allele origin: germline. Not counted in ClinVar's aggregate classification.
Comment: The AIPL1 c.358A>G variant is predicted to result in the amino acid substitution p.Thr120Ala. To our knowledge, this variant has not been reported in the literature. This variant is reported in 0.0087% of alleles in individuals of Latino descent in gnomAD. At this time, the clinical significance of this variant is uncertain due to the absence of conclusive functional and genetic evidence.